The following is an entry in ClinVar:

ClinVar aggregate classification (germline): Uncertain significance (1 of 4 stars; one submission).

Conditions:
Pheochromocytoma. Also called: MAX-Related Hereditary Paraganglioma-Pheochromocytoma Syndrome. Identifiers: Orphanet 29072, MedGen C0031511, MONDO:0008233, OMIM 171300, HP:0002666.
Gastrointestinal stromal tumor. Also called: Gastrointestinal stromal tumor, somatic; Gastrointestinal stroma tumor. Identifiers: Orphanet 44890, MedGen C0238198, MeSH D046152, MONDO:0011719, OMIM 606764, HP:0100723.
Pheochromocytoma/paraganglioma syndrome 4. Also called: CAROTID BODY TUMORS AND MULTIPLE EXTRAADRENAL PHEOCHROMOCYTOMAS; PARAGANGLIOMA, FAMILIAL MALIGNANT; PARAGANGLIOMAS, HEREDITARY EXTRAADRENAL; PHEOCHROMOCYTOMA, FAMILIAL EXTRAADRENAL; Paragangliomas 4; SDHB-Related Hereditary Paraganglioma-Pheochromocytoma Syndrome (Paragangliomas 4). Identifiers: Orphanet 29072, MedGen C1861848, MONDO:0007273, OMIM 115310.

gnomAD v4.1: 1 of 1,611,594 alleles (0.000062%); highest among the groups gnomAD compares: East Asian, 0.0022%; no homozygotes.

Submission:

Labcorp Genetics (formerly Invitae), Labcorp
Classification: Uncertain significance for Gastrointestinal stromal tumor; Pheochromocytoma/paraganglioma syndrome 4; Pheochromocytoma. Last evaluated: 2024-11-02. Review status: criteria provided, single submitter. Criteria: Invitae Variant Classification Sherloc (09022015). Collection method: clinical testing. Allele origin: germline.
Comment: This sequence change falls in intron 1 of the SDHB gene. It does not directly change the encoded amino acid sequence of the SDHB protein. It affects a nucleotide within the consensus splice site. This variant is not present in population databases (gnomAD no frequency). This variant has not been reported in the literature in individuals affected with SDHB-related conditions. ClinVar contains an entry for this variant (Variation ID: 2941917). Variants that disrupt the consensus splice site are a relatively common cause of aberrant splicing (PMID: 17576681, 9536098). Algorithms developed to predict the effect of sequence changes on RNA splicing suggest that this variant may disrupt the consensus splice site. In summary, the available evidence is currently insufficient to determine the role of this variant in disease. Therefore, it has been classified as a Variant of Uncertain Significance.

Literature cited by the submitters: PubMed 17576681; PubMed 9536098.

NM_003000.3(SDHB):c.72+3G>C

Genes: SDHB (succinate dehydrogenase complex iron sulfur subunit B; minus strand), LOC129929542 (ATAC-STARR-seq lymphoblastoid active region 277; plus strand). Cytogenetic location: 1p36.13.
Variant type: single nucleotide variant.
Coding change: c.72+3G>C on transcript NM_003000.3 (MANE Select); 3 bases into the intron after coding-DNA position 72, G replaced by C.
Molecular consequence: intron variant.
Genome position (GRCh38, 1-based): chr1:17,053,945, C>G on the plus strand (G>C on the coding strand, the complement: SDHB is on the minus strand). VCF-style: chr1-17053945-C-G. GRCh37 (hg19) VCF-style: chr1-17380440-C-G.
Other names: c.72+3G>C (NM_001407361.1).
Identifiers: ClinVar variation 2941917 (VCV002941917.3), dbSNP rs569245129, ClinGen allele CA089726.